The following is an entry in ClinVar:

ClinVar aggregate classification (germline): Likely benign. Review status: criteria provided, single submitter (1 of 4 stars). 2 submissions from 2 submitters: Likely benign (1). 1 of the submissions does not count toward it. Last evaluated 2023-04-01.

Conditions:
MUC16-related disorder. Also called: MUC16-related condition.

Allele frequency attached by ClinVar (database versions not stated): 1000 Genomes Project 0.00200; TOPMed 0.00394; ExAC 0.00456; gnomAD 0.00477; ESP Exome Variant Server 0.00511; gnomAD exomes 0.00750.

Submissions (2):

CeGaT Center for Human Genetics Tuebingen
Classification: Likely benign. Last evaluated: 2023-04-01. Review status: criteria provided, single submitter. Criteria: CeGaT Center For Human Genetics Tuebingen Variant Classification Criteria Version 2. Collection method: clinical testing. Allele origin: germline. Affected: yes. Observed: 2 variant alleles.
Comment: MUC16: BS2

PreventionGenetics, part of Exact Sciences
Classification: Benign for MUC16-related condition. Last evaluated: 2019-06-11. Review status: no assertion criteria provided. Collection method: clinical testing. Allele origin: germline. Not counted in ClinVar's aggregate classification.
Comment: This variant is classified as benign based on ACMG/AMP sequence variant interpretation guidelines (Richards et al. 2015 PMID: 25741868, with internal and published modifications).

NM_001401501.2(MUC16):c.45526T>C (p.Tyr15176His)

Gene: MUC16 (mucin 16, cell surface associated; minus strand). Cytogenetic location: 19p13.2.
Variant type: single nucleotide variant.
Coding change: c.45526T>C on transcript NM_001401501.2 (MANE Select); coding-DNA position 45526, T replaced by C.
Protein change: p.Tyr15176His; replaces tyrosine 15176 with histidine.
Molecular consequence: missense variant.
Genome position (GRCh38, 1-based): chr19:8,858,668, A>G on the plus strand (T>C on the coding strand, the complement: MUC16 is on the minus strand). VCF-style: chr19-8858668-A-G. GRCh37 (hg19) VCF-style: chr19-8969344-A-G.
Other names: c.45952T>C, p.Tyr15318His (NM_001414686.1); c.45406T>C, p.Tyr15136His (NM_001414687.1); c.43000T>C, p.Tyr14334His (NM_024690.2); short protein forms Y14334H, Y15136H, Y15176H, Y15318H.
Identifiers: ClinVar variation 2649214 (VCV002649214.25), dbSNP rs62118938, ClinGen allele CA9162208.